The following is an entry in ClinVar:

ClinVar aggregate classification (germline): Uncertain significance (1 of 4 stars; one submission).

Conditions:
Renal cell carcinoma. Identifiers: Orphanet 217071, MedGen C0007134, MeSH D002292, MONDO:0005086, HP:0005584.

Allele frequency attached by ClinVar (database versions not stated): ExAC 0.00001; gnomAD exomes 0.00001.
gnomAD v4.1: 3 of 1,614,060 alleles (0.00019%); highest among the groups gnomAD compares: South Asian, 0.0033%; no homozygotes.

Submission:

Labcorp Genetics (formerly Invitae), Labcorp
Classification: Uncertain significance for Renal cell carcinoma. Last evaluated: 2022-06-15. Review status: criteria provided, single submitter. Criteria: Invitae Variant Classification Sherloc (09022015). Collection method: clinical testing. Allele origin: germline.
Comment: In summary, the available evidence is currently insufficient to determine the role of this variant in disease. Therefore, it has been classified as a Variant of Uncertain Significance. Algorithms developed to predict the effect of missense changes on protein structure and function are either unavailable or do not agree on the potential impact of this missense change (SIFT: "Deleterious"; PolyPhen-2: "Possibly Damaging"; Align-GVGD: "Class C0"). This variant has not been reported in the literature in individuals affected with MET-related conditions. This variant is present in population databases (rs758565332, gnomAD 0.003%). This sequence change replaces lysine, which is basic and polar, with methionine, which is neutral and non-polar, at codon 509 of the MET protein (p.Lys509Met).

NM_000245.4(MET):c.1526A>T (p.Lys509Met)

Gene: MET (MET proto-oncogene, receptor tyrosine kinase; plus strand). Cytogenetic location: 7q31.2.
Variant type: single nucleotide variant.
Coding change: c.1526A>T on transcript NM_000245.4 (MANE Select); coding-DNA position 1526, A replaced by T.
Protein change: p.Lys509Met; replaces lysine 509 with methionine.
Molecular consequence: missense variant.
Genome position (GRCh38, 1-based): chr7:116,740,083, A>T. VCF-style: chr7-116740083-A-T. GRCh37 (hg19) VCF-style: chr7-116380137-A-T.
Other names: c.1526A>T, p.Lys509Met (NM_001127500.3, NM_001324401.3); c.236A>T, p.Lys79Met (NM_001324402.2); short protein forms K79M, K509M.
Identifiers: ClinVar variation 1964150 (VCV001964150.5), dbSNP rs758565332, ClinGen allele CA4448174.